The following is an entry in ClinVar:

NM_001378454.1(ALMS1):c.9427A>T (p.Lys3143Ter)

Gene: ALMS1 (ALMS1 centrosome and basal body associated protein; plus strand). Cytogenetic location: 2p13.1.
Variant type: single nucleotide variant.
Coding change: c.9427A>T on transcript NM_001378454.1 (MANE Select); coding-DNA position 9427, A replaced by T.
Protein change: p.Lys3143Ter; replaces lysine 3143 with a stop codon.
Molecular consequence: nonsense.
Genome position (GRCh38, 1-based): chr2:73,491,386, A>T. VCF-style: chr2-73491386-A-T. GRCh37 (hg19) VCF-style: chr2-73718513-A-T.
Other names: c.9430A>T, p.Lys3144Ter (NM_015120.4); short protein forms K3143*, K3144*.
Identifiers: ClinVar variation 1724256 (VCV001724256.2), dbSNP rs2466220765, ClinGen allele CA347274931.

ClinVar aggregate classification (germline): Likely pathogenic (1 of 4 stars; one submission).

Conditions:
Alstrom syndrome (ALMS). Identifiers: Orphanet 64, MedGen C0268425, MONDO:0008763, OMIM 203800.

Submission:

Myriad Genetics, Inc.
Classification: Likely pathogenic for Alstrom syndrome. Last evaluated: 2022-02-02. Review status: criteria provided, single submitter. Criteria: Myriad Women's Health Autosomal Recessive and X-Linked Classification Criteria (2021). Collection method: clinical testing. Allele origin: unknown.
Comment: NM_015120.4(ALMS1):c.9430A>T(K3144*) is expected to be pathogenic in the context of Alstrom syndrome. This variant is predicted to lead to an abnormal or absent protein product due to the creation of a premature termination codon in ALMS1, a gene where loss-of-function variants are known to be pathogenic. Please note: this variant was assessed in the context of healthy population screening.